The following is an entry in ClinVar:

NM_178452.6(DNAAF1):c.1629G>C (p.Glu543Asp)

Gene: DNAAF1 (dynein axonemal assembly factor 1; plus strand). Cytogenetic location: 16q24.1.
Variant type: single nucleotide variant.
Coding change: c.1629G>C on transcript NM_178452.6 (MANE Select); coding-DNA position 1629, G replaced by C.
Protein change: p.Glu543Asp; replaces glutamic acid 543 with aspartic acid.
Molecular consequence: missense variant.
Genome position (GRCh38, 1-based): chr16:84,172,360, G>C. VCF-style: chr16-84172360-G-C. GRCh37 (hg19) VCF-style: chr16-84205966-G-C.
Other names: c.1629G>C (NM_178452.4); c.921G>C, p.Glu307Asp (NM_001318756.1); short protein forms E307D, E543D.
Identifiers: ClinVar variation 2180943 (VCV002180943.4), dbSNP rs1366180142, ClinGen allele CA396949271.

ClinVar aggregate classification (germline): Uncertain significance. Review status: criteria provided, multiple submitters, no conflicts (2 of 4 stars). 2 submissions from 2 submitters: Uncertain significance (2). Last evaluated 2023-12-11.

Conditions:
Primary ciliary dyskinesia. Also called: Ciliary dyskinesia. Identifiers: Orphanet 244, MedGen C0008780, MONDO:0016575, HP:0012265.

Allele frequency attached by ClinVar (database versions not stated): TOPMed below 0.00001; gnomAD 0.00001; gnomAD exomes 0.00002.
gnomAD v4.1: 32 of 1,613,912 alleles (0.002%); highest among the groups gnomAD compares: Non-Finnish European, 0.0025%; no homozygotes.

Submissions (2):

Labcorp Genetics (formerly Invitae), Labcorp
Classification: Uncertain significance for Primary ciliary dyskinesia. Last evaluated: 2023-12-11. Review status: criteria provided, single submitter. Criteria: Invitae Variant Classification Sherloc (09022015). Collection method: clinical testing. Allele origin: germline.
Comment: This sequence change replaces glutamic acid, which is acidic and polar, with aspartic acid, which is acidic and polar, at codon 543 of the DNAAF1 protein (p.Glu543Asp). This variant is present in population databases (no rsID available, gnomAD 0.007%). This variant has not been reported in the literature in individuals affected with DNAAF1-related conditions. ClinVar contains an entry for this variant (Variation ID: 2180943). Algorithms developed to predict the effect of missense changes on protein structure and function output the following: SIFT: "Not Available"; PolyPhen-2: "Benign"; Align-GVGD: "Not Available". The aspartic acid amino acid residue is found in multiple mammalian species, which suggests that this missense change does not adversely affect protein function. In summary, the available evidence is currently insufficient to determine the role of this variant in disease. Therefore, it has been classified as a Variant of Uncertain Significance.

Ambry Genetics
Classification: Uncertain significance for Primary ciliary dyskinesia. Last evaluated: 2023-06-06. Review status: criteria provided, single submitter. Criteria: Ambry Variant Classification Scheme 2023. Collection method: clinical testing. Allele origin: germline.